The following is an entry in ClinVar:

ClinVar aggregate classification (germline): Likely benign (0 of 4 stars; one submission).

Conditions:
KLLN-related disorder. Also called: KLLN-related condition.

Allele frequency attached by ClinVar (database versions not stated): ExAC 0.00020; gnomAD 0.00111; 1000 Genomes Project 0.00120; 1000 Genomes Project 30x 0.00125; TOPMed 0.00141.
gnomAD v4.1: 335 of 1,551,628 alleles (0.022%); highest among the groups gnomAD compares: African/African-American, 0.41%; 2 homozygotes.

Submission:

PreventionGenetics, part of Exact Sciences
Classification: Likely benign for KLLN-related condition. Last evaluated: 2022-05-31. Review status: no assertion criteria provided. Collection method: clinical testing. Allele origin: germline.
Comment: This variant is classified as likely benign based on ACMG/AMP sequence variant interpretation guidelines (Richards et al. 2015 PMID: 25741868, with internal and published modifications).

NM_001126049.2(KLLN):c.115G>A (p.Gly39Arg)

Gene: KLLN (killin, p53 regulated DNA replication inhibitor; minus strand). Cytogenetic location: 10q23.31.
Variant type: single nucleotide variant.
Coding change: c.115G>A on transcript NM_001126049.2 (MANE Select); coding-DNA position 115, G replaced by A.
Protein change: p.Gly39Arg; replaces glycine 39 with arginine.
Molecular consequence: missense variant.
Genome position (GRCh38, 1-based): chr10:87,862,373, C>T on the plus strand (G>A on the coding strand, the complement: KLLN is on the minus strand). VCF-style: chr10-87862373-C-T. GRCh37 (hg19) VCF-style: chr10-89622130-C-T.
Other names: short protein forms G39R.
Identifiers: ClinVar variation 3047830 (VCV003047830.2), dbSNP rs374921871, ClinGen allele CA5590232.